The following is an entry in ClinVar:

NM_001130965.3(SUN1):c.748G>T (p.Val250Phe)

Gene: SUN1 (Sad1 and UNC84 domain containing 1; plus strand). Cytogenetic location: 7p22.3.
Variant type: single nucleotide variant.
Coding change: c.748G>T on transcript NM_001130965.3 (MANE Select); coding-DNA position 748, G replaced by T.
Protein change: p.Val250Phe; replaces valine 250 with phenylalanine.
Molecular consequence: missense variant. On other transcripts: non-coding transcript variant (3), intron variant (12).
Genome position (GRCh38, 1-based): chr7:851,473, G>T. VCF-style: chr7-851473-G-T. GRCh37 (hg19) VCF-style: chr7-891110-G-T.
Other names: c.748G>T, p.Val250Phe (NM_001367633.1, NM_001367634.1, NM_001367653.1 and 3 more transcripts); c.402G>T, p.Trp134Cys (NM_001367635.1); c.991G>T, p.Val331Phe (NM_001367636.1, NM_001367655.1, NM_001367666.1 and 1 more transcripts); c.859G>T, p.Val287Phe (NM_001367638.1, NM_001367664.1, NM_001367685.1 and 1 more transcripts); c.292G>T, p.Val98Phe (NM_001367639.1); c.1030G>T, p.Val344Phe (NM_001367641.1, NM_001367682.1, NM_001367698.1); c.943G>T, p.Val315Phe (NM_001367643.1, NM_001367693.1, NM_001367697.1); c.682G>T, p.Val228Phe (NM_001367644.1, NM_001367680.1, NM_001367701.1); and 24 more; short protein forms V250F, V259F, V278F, V353F, V200F, V228F, V265F, V287F.
Identifiers: ClinVar variation 577828 (VCV000577828.8), dbSNP rs1562696580, ClinGen allele CA366528960.

ClinVar aggregate classification (germline): Uncertain significance (1 of 4 stars; one submission).

Conditions:
Emery-Dreifuss muscular dystrophy (EDMD). Also called: Scapuloperoneal syndrome, X-linked (formerly); Humeroperoneal neuromuscular disease, (formerly). Identifiers: Orphanet 261, MedGen C0410189, MONDO:0016830.

Allele frequency attached by ClinVar (database versions not stated): TOPMed below 0.00001.
gnomAD v4.1: 2 of 1,604,924 alleles (0.00012%); highest among the groups gnomAD compares: Non-Finnish European, 0.00017%; no homozygotes.

Submission:

Labcorp Genetics (formerly Invitae), Labcorp
Classification: Uncertain significance for Emery-Dreifuss muscular dystrophy. Last evaluated: 2020-02-12. Review status: criteria provided, single submitter. Criteria: Invitae Variant Classification Sherloc (09022015). Collection method: clinical testing. Allele origin: germline.
Comment: In summary, the available evidence is currently insufficient to determine the role of this variant in disease. Therefore, it has been classified as a Variant of Uncertain Significance. Algorithms developed to predict the effect of missense changes on protein structure and function (SIFT, PolyPhen-2, Align-GVGD) all suggest that this variant is likely to be tolerated, but these predictions have not been confirmed by published functional studies and their clinical significance is uncertain. This variant has not been reported in the literature in individuals with SUN1-related disease. This variant is not present in population databases (ExAC no frequency). This sequence change replaces valine with phenylalanine at codon 250 of the SUN1 protein (p.Val250Phe). The valine residue is weakly conserved and there is a small physicochemical difference between valine and phenylalanine.